The following is an entry in ClinVar:

ClinVar aggregate classification (germline): Uncertain significance (1 of 4 stars; one submission).

Conditions:
Inborn genetic diseases. Identifiers: MedGen C0950123, MeSH D030342.

Submission:

Ambry Genetics
Classification: Uncertain significance for Inborn genetic diseases. Last evaluated: 2024-06-13. Review status: criteria provided, single submitter. Criteria: Ambry Variant Classification Scheme 2023. Collection method: clinical testing. Allele origin: germline.
Comment: The p.E293K variant (also known as c.877G>A), located in coding exon 4 of the ATR gene, results from a G to A substitution at nucleotide position 877. The glutamic acid at codon 293 is replaced by lysine, an amino acid with similar properties. This amino acid position is conserved. In addition, this alteration is predicted to be tolerated by in silico analysis. Based on the available evidence, the clinical significance of this variant remains unclear.

NM_001184.4(ATR):c.877G>A (p.Glu293Lys)

Gene: ATR (ATR serine/threonine kinase; minus strand). Cytogenetic location: 3q23.
Variant type: single nucleotide variant.
Coding change: c.877G>A on transcript NM_001184.4 (MANE Select); coding-DNA position 877, G replaced by A.
Protein change: p.Glu293Lys; replaces glutamic acid 293 with lysine.
Molecular consequence: missense variant.
Genome position (GRCh38, 1-based): chr3:142,562,525, C>T on the plus strand (G>A on the coding strand, the complement: ATR is on the minus strand). VCF-style: chr3-142562525-C-T. GRCh37 (hg19) VCF-style: chr3-142281367-C-T.
Other names: c.877G>A, p.Glu293Lys (NM_001354579.2); short protein forms E293K.
Identifiers: ClinVar variation 3330589 (VCV003330589.1).